The following is an entry in ClinVar:

ClinVar aggregate classification (germline): Likely benign (1 of 4 stars; one submission).

Submission:

CeGaT Center for Human Genetics Tuebingen
Classification: Likely benign. Last evaluated: 2026-06-01. Review status: criteria provided, single submitter. Criteria: CeGaT Center For Human Genetics Tuebingen Variant Classification Criteria Version 2. Collection method: clinical testing. Allele origin: germline. Affected: yes. Observed: 1 variant allele.
Comment: HRNR: BP4, BP7

NM_001009931.3(HRNR):c.2790T>C (p.Ser930=)

Genes: CCDST (cervical cancer associated DHX9 suppressive transcript; plus strand), HRNR (hornerin; minus strand). Cytogenetic location: 1q21.3.
Variant type: single nucleotide variant.
Coding change: c.2790T>C on transcript NM_001009931.3 (MANE Select); coding-DNA position 2790, T replaced by C.
Protein change: p.Ser930=; no amino-acid change (serine 930 retained).
Molecular consequence: synonymous variant.
Genome position (GRCh38, 1-based): chr1:152,218,839, A>G on the plus strand (T>C on the coding strand, the complement: HRNR is on the minus strand). VCF-style: chr1-152218839-A-G. GRCh37 (hg19) VCF-style: chr1-152191315-A-G.
Identifiers: ClinVar variation 4873386 (VCV004873386.2).
Genomic context (GRCh38, chr1:152,218,839, plus strand): 5'-GCCAGATCCATGCTGAGTGTAACCAGAGGACTGCCCTGAGCTAGACTTGTGACCAAAGCC[A>G]GAAGACTGGCCTGAGCCAGACCCATGTCGGCCACTGCTGGAAGACCGACCGGAGCCAGAC-3'
Protein context (NP_001009931.1, residues 920-940): GRHGSGSGQS[Ser930=]GFGHKSSSGQ